The following is an entry in ClinVar:

ClinVar aggregate classification (germline): Benign. Review status: criteria provided, multiple submitters, no conflicts (2 of 4 stars). 5 submissions from 5 submitters: Benign (5). Last evaluated 2026-02-02.

Conditions:
Methylmalonic acidemia with homocystinuria, type cblX (MAHCX). Also called: INTELLECTUAL DEVELOPMENTAL DISORDER, X-LINKED 3. Identifiers: Orphanet 369962, MedGen C0796208, MONDO:0010657, OMIM 309541.

Allele frequency attached by ClinVar (database versions not stated): gnomAD exomes 0.00132 and 0.00383; ExAC 0.00518; 1000 Genomes Project 0.01166; 1000 Genomes Project 30x 0.01207; gnomAD 0.01528 and 0.01632; TOPMed 0.01736; ESP Exome Variant Server 0.01837.

Submissions (5):

Labcorp Genetics (formerly Invitae), Labcorp
Classification: Benign for Methylmalonic acidemia with homocystinuria, type cblX. Last evaluated: 2026-02-02. Review status: criteria provided, single submitter. Criteria: Invitae Variant Classification Sherloc (09022015). Collection method: clinical testing. Allele origin: germline.

ARUP Laboratories, Molecular Genetics and Genomics, ARUP Laboratories
Classification: Benign for Methylmalonic acidemia with homocystinuria, type cblX. Last evaluated: 2023-09-08. Review status: criteria provided, single submitter. Criteria: ARUP Molecular Germline Variant Investigation Process 2024. Collection method: clinical testing. Allele origin: germline.

Mayo Clinic Laboratories, Mayo Clinic
Classification: Benign. Last evaluated: 2018-04-10. Review status: criteria provided, single submitter. Criteria: ACMG Guidelines, 2015. Collection method: clinical testing. Allele origin: germline. Observed: 5 variant alleles.

GeneDx
Classification: Benign. Last evaluated: 2016-08-09. Review status: criteria provided, single submitter. Criteria: GeneDx Variant Classification (06012015). Collection method: clinical testing. Allele origin: germline. Affected: yes.
Comment: This variant is considered likely benign or benign based on one or more of the following criteria: it is a conservative change, it occurs at a poorly conserved position in the protein, it is predicted to be benign by multiple in silico algorithms, and/or has population frequency not consistent with disease.

Breakthrough Genomics
Classification: Benign. Review status: criteria provided, single submitter. Criteria: ACMG Guidelines, 2015. Collection method: not provided. Allele origin: germline. Inheritance: X-linked inheritance. Affected: yes.

NM_005334.3(HCFC1):c.4464G>A (p.Thr1488=)

Genes: HCFC1 (host cell factor C1; minus strand), LOC130068842 (ATAC-STARR-seq lymphoblastoid active region 30044; plus strand). Cytogenetic location: Xq28.
Variant type: single nucleotide variant.
Coding change: c.4464G>A on transcript NM_005334.3 (MANE Select); coding-DNA position 4464, G replaced by A.
Protein change: p.Thr1488=; no amino-acid change (threonine 1488 retained).
Molecular consequence: synonymous variant.
Genome position (GRCh38, 1-based): chrX:153,953,640, C>T on the plus strand (G>A on the coding strand, the complement: HCFC1 is on the minus strand). VCF-style: chrX-153953640-C-T. GRCh37 (hg19) VCF-style: chrX-153219091-C-T.
Other names: p.Thr1488=.
Identifiers: ClinVar variation 381428 (VCV000381428.15), dbSNP rs141722238, ClinGen allele CA10556987.